The following is an entry in ClinVar:

ClinVar aggregate classification (germline): Uncertain significance. Review status: criteria provided, single submitter (1 of 4 stars). 2 submissions from 2 submitters: Uncertain significance (1). 1 of the submissions does not count toward it. Last evaluated 2022-03-19.

Conditions:
Hereditary cancer-predisposing syndrome. Also called: Neoplastic Syndromes, Hereditary; Tumor predisposition; Hereditary Cancer Syndrome; Hereditary neoplastic syndrome. Identifiers: Orphanet 140162, MedGen C0027672, MeSH D009386, MONDO:0015356.

Submissions (2):

Ambry Genetics
Classification: Uncertain significance for Hereditary cancer-predisposing syndrome. Last evaluated: 2022-03-19. Review status: criteria provided, single submitter. Criteria: Ambry Variant Classification Scheme 2023. Collection method: clinical testing. Allele origin: germline.
Comment: The p.K109N variant (also known as c.327A>T), located in coding exon 3 of the FANCC gene, results from an A to T substitution at nucleotide position 327. The lysine at codon 109 is replaced by asparagine, an amino acid with similar properties. This amino acid position is conserved. In addition, this alteration is predicted to be tolerated by in silico analysis. Since supporting evidence is limited at this time, the clinical significance of this alteration remains unclear.

Genetic Services Laboratory, University of Chicago
Classification: Uncertain significance. Last evaluated: 2022-11-29. Review status: no assertion criteria provided. Collection method: clinical testing. Allele origin: germline. Affected: no. Not counted in ClinVar's aggregate classification.
Comment: DNA sequence analysis of the FANCC gene demonstrated a sequence change, c.327A>T, in exon 4 that results in an amino acid change, p.Lys109Asn. This sequence change does not appear to have been previously described in individuals with FANCC-related disorders and has also not been described in population databases such as ExAC and gnomAD. The p.Lys109Asn change affects a moderately conserved amino acid residue located in a domain of the FANCC protein that is known to be functional. In-silico pathogenicity prediction tools (SIFT, PolyPhen2, Align GVGD, REVEL) provide contradictory results for the p.Lys109Asn substitution. Due to insufficient evidences and the lack of functional studies, the clinical significance of the p.Lys109Asn change remains unknown at this time.

NM_000136.3(FANCC):c.327A>T (p.Lys109Asn)

Gene: FANCC (FA complementation group C; minus strand). Cytogenetic location: 9q22.32.
Variant type: single nucleotide variant.
Coding change: c.327A>T on transcript NM_000136.3 (MANE Select); coding-DNA position 327, A replaced by T.
Protein change: p.Lys109Asn; replaces lysine 109 with asparagine.
Molecular consequence: missense variant.
Genome position (GRCh38, 1-based): chr9:95,240,667, T>A on the plus strand (A>T on the coding strand, the complement: FANCC is on the minus strand). VCF-style: chr9-95240667-T-A. GRCh37 (hg19) VCF-style: chr9-98002949-T-A.
Other names: c.327A>T, p.Lys109Asn (NM_001243743.2, NM_001243744.2); short protein forms K109N.
Identifiers: ClinVar variation 1729701 (VCV001729701.4), dbSNP rs1399574459, ClinGen allele CA374339221.